The following is an entry in ClinVar:

NM_000059.4(BRCA2):c.9383G>A (p.Arg3128Gln)

Gene: BRCA2 (BRCA2 DNA repair associated; plus strand). Cytogenetic location: 13q13.1.
Variant type: single nucleotide variant.
Coding change: c.9383G>A on transcript NM_000059.4 (MANE Select); coding-DNA position 9383, G replaced by A.
Protein change: p.Arg3128Gln; replaces arginine 3128 with glutamine.
Molecular consequence: missense variant.
Genome position (GRCh38, 1-based): chr13:32,394,815, G>A. VCF-style: chr13-32394815-G-A. GRCh37 (hg19) VCF-style: chr13-32968952-G-A.
Other names: 9611G>A; short protein forms R3128Q.
Identifiers: ClinVar variation 38236 (VCV000038236.28), dbSNP rs397507427, ClinGen allele CA026128.

ClinVar aggregate classification (germline): Conflicting classifications of pathogenicity. Review status: criteria provided, conflicting classifications (1 of 4 stars). 7 submissions from 7 submitters: Uncertain significance (4); Likely benign (1). 2 of the submissions do not count toward it. Last evaluated 2026-01-13.

Conditions:
BRCA2-related cancer predisposition. Identifiers: MedGen CN377758, MONDO:0700269.
Hereditary cancer-predisposing syndrome. Also called: Tumor predisposition; Neoplastic Syndromes, Hereditary; Hereditary neoplastic syndrome; Hereditary Cancer Syndrome. Identifiers: Orphanet 140162, MedGen C0027672, MeSH D009386, MONDO:0015356.
Hereditary breast ovarian cancer syndrome. Also called: Hereditary breast and ovarian cancer; Hereditary breast and ovarian cancer syndrome (HBOC); Hereditary breast and/or ovarian cancer syndrome; Breast and ovarian cancer; Hereditary breast and ovarian cancer syndrome; BRCA1- and BRCA2-Associated Hereditary Breast and Ovarian Cancer. Identifiers: Orphanet 145, MedGen C0677776, MeSH D061325, MONDO:0003582. Disease mechanism: loss of function.
Breast-ovarian cancer, familial, susceptibility to, 2 (BROVCA2). Also called: BRCA2 Hereditary Breast and Ovarian Cancer. Identifiers: Orphanet 145, MedGen C2675520, MONDO:0012933, OMIM 612555. Disease mechanism: loss of function.
Malignant tumor of breast. Also called: Malignant breast neoplasm; Cancer breast. Identifiers: MedGen C0006142, MONDO:0007254. Disease mechanism: loss of function.

Allele frequency attached by ClinVar (database versions not stated): ExAC 0.00001; gnomAD exomes 0.00001 and 0.00002; TOPMed 0.00001.
gnomAD v4.1: 13 of 1,614,038 alleles (0.00081%); highest among the groups gnomAD compares: East Asian, 0.013%; no homozygotes.

Submissions (7):

Labcorp Genetics (formerly Invitae), Labcorp
Classification: Uncertain significance for Hereditary breast ovarian cancer syndrome. Last evaluated: 2026-01-13. Review status: criteria provided, single submitter. Criteria: Invitae Variant Classification Sherloc (09022015). Collection method: clinical testing. Allele origin: germline.
Comment: This sequence change replaces arginine, which is basic and polar, with glutamine, which is neutral and polar, at codon 3128 of the BRCA2 protein (p.Arg3128Gln). This variant is present in population databases (rs397507427, gnomAD 0.03%). This variant has not been reported in the literature in individuals affected with BRCA2-related conditions. ClinVar contains an entry for this variant (Variation ID: 38236). Invitae Evidence Modeling incorporating data from in vitro experimental studies (PMID: 33609447) indicates that this missense variant is not expected to disrupt BRCA2 function with a negative predictive value of 95%. Experimental studies have shown that this missense change does not substantially affect BRCA2 function (PMID: 37731132). In summary, the available evidence is currently insufficient to determine the role of this variant in disease. Therefore, it has been classified as a Variant of Uncertain Significance.

Color Diagnostics, LLC DBA Color Health
Classification: Uncertain significance for Hereditary cancer-predisposing syndrome. Last evaluated: 2025-09-24. Review status: criteria provided, single submitter. Criteria: ACMG Guidelines, 2015. Collection method: clinical testing. Allele origin: germline.
Comment: This missense variant replaces arginine with glutamine at codon 3128 of the BRCA2 protein. Computational prediction suggests that this variant may not impact protein structure and function. Functional studies have reported that this variant does not impact BRCA1 in homology-directed DNA repair assays, a haploid cell proliferation assay and sensitivity assays to cisplatin and PARP inhibitor (PMID: 29884841, 33609447, 37731132, 39779848, 39779857). This variant has been detected in a breast cancer case-control meta-analysis in 2/60466 cases and 2/53461 unaffected individuals (PMID: 33471991Leiden Open Variation Database DB-ID BRCA2_003182). Multifactorial analysis on clinical data has reached a combined likelihood ratio (LR) of 0.581 from published LR for 2 carriers (PMID: 31853058). This variant has been identified in 13/1614038 chromosomes in the general population by the Genome Aggregation Database (gnomAD v4). Although there is a suspicion that this variant may not be associated with disease, additional clinical studies are necessary to determine the role of this variant in disease conclusively. Therefore, this variant is classified as a Variant of Uncertain Significance.

Quest Diagnostics Nichols Institute San Juan Capistrano
Classification: Uncertain significance. Last evaluated: 2025-01-15. Review status: criteria provided, single submitter. Criteria: Quest Diagnostics criteria. Collection method: clinical testing. Allele origin: unknown.
Comment: The BRCA2 c.9383G>A (p.Arg3128Gln) variant has been reported in the published literature in individuals with personal and/or family history of cancer (PMID: 31853058 (2020)). In a large scale breast cancer association study, this variant has been observed in breast cancer cases and reportedly healthy individuals (PMID: 33471991 (2021), see also LOVD). Functional studies indicate that this variant is not damaging to homology directed repair function (PMID: 37731132 (2023), 33609447 (2021), 29884841 (2019)). The frequency of this variant in the general population (Genome Aggregation Database) is uninformative in the assessment of its pathogenicity. Analysis of this variant using bioinformatics tools for the prediction of the effect of amino acid changes on protein structure and function yielded predictions that this variant is benign. Based on the available information, we are unable to determine the clinical significance of this variant.

All of Us Research Program, National Institutes of Health
Classification: Uncertain significance for BRCA2-related cancer predisposition. Last evaluated: 2024-03-05. Review status: criteria provided, single submitter. Criteria: ACMG Guidelines, 2015. Collection method: clinical testing. Allele origin: germline. Inheritance: Autosomal dominant inheritance. Observed: 2 variant alleles, 2 heterozygotes.
Comment: This missense variant replaces arginine with glutamine at codon 3128 of the BRCA2 protein. Computational prediction is inconclusive regarding the impact of this variant on protein structure and function (internally defined REVEL score threshold 0.5 < inconclusive < 0.7, PMID: 27666373). To our knowledge, functional studies have not been reported for this variant. In a large breast cancer case-control meta analysis conducted by the BRIDGES consortium, this variant was reported in 2/60466 cases and 2/53461 unaffected controls (PMID: 33471991; p-value=1; Leiden Open Variation Database DB-ID BRCA2_003182). This variant has been identified in 5/251358 chromosomes in the general population by the Genome Aggregation Database (gnomAD). The available evidence is insufficient to determine the role of this variant in disease conclusively. Therefore, this variant is classified as a Variant of Uncertain Significance.

This study involves interpretation of variants in research participants for the purpose of population health screening. Participant phenotype was not available at the time of variant classification. Additional details can be found in publication PMID: 35346344, PMCID: PMC8962531

Ambry Genetics
Classification: Likely benign for Hereditary cancer-predisposing syndrome. Last evaluated: 2019-12-06. Review status: criteria provided, single submitter. Criteria: Ambry Variant Classification Scheme 2023. Collection method: clinical testing. Allele origin: germline.

Sharing Clinical Reports Project (SCRP)
Classification: Uncertain significance for Breast-ovarian cancer, familial 2. Last evaluated: 2012-05-01. Review status: no assertion criteria provided. Collection method: clinical testing. Allele origin: germline. Not counted in ClinVar's aggregate classification.

Department of Pathology and Laboratory Medicine, Sinai Health System
Classification: Uncertain significance for Malignant tumor of breast. Review status: no assertion criteria provided. Collection method: clinical testing. Allele origin: unknown. Affected: yes. Study: The Canadian Open Genetics Repository (COGR). Not counted in ClinVar's aggregate classification.
Comment: The p.Arg3128Gln variant has not been reported in the literature nor previously identified by our laboratory. This residue is not conserved in mammals and the variant amino acid Gln (Glutamine) is present in other species (mouse and chicken) decreasing the likelihood that this variant has clinical significance. Computational analyses (PolyPhen2, SIFT, AlignGVGD) provide inconsistent predictions regarding the impact to the protein and this information is not very predictive of pathogenicity. In summary, based on the above information, the clinical significance of this variant cannot be determined with certainty at this time. This variant is classified as a variant of unknown significance.

Literature cited by the submitters: PubMed 33609447 (cited by 3 submitters); PubMed 37731132 (cited by 3 submitters); PubMed 29884841 (cited by 3 submitters); PubMed 31853058 (cited by Color Diagnostics, LLC DBA Color Health and Quest Diagnostics Nichols Institute San Juan Capistrano); PubMed 33471991 (cited by 3 submitters); PubMed 39779848 (cited by Color Diagnostics, LLC DBA Color Health); PubMed 39779857 (cited by Color Diagnostics, LLC DBA Color Health).